The following is an entry in ClinVar:

ClinVar aggregate classification (germline): Benign. Review status: criteria provided, multiple submitters, no conflicts (2 of 4 stars). 4 submissions from 3 submitters: Benign (4). Last evaluated 2019-11-22.

Conditions:
Liddle syndrome 2. Identifiers: MedGen C4748251, MONDO:0020854, OMIM 618114.
Pseudohypoaldosteronism, type IB1, autosomal recessive. Also called: Pseudohypoaldosteronism, Type I, Autosomal Recessive; PHA I, AUTOSOMAL RECESSIVE; Pseudohypoaldosteronism, Type I, Recessive; Autosomal recessive pseudohypoaldosteronism type 1. Identifiers: Orphanet 171876, Orphanet 756, MedGen C5774176, MONDO:0009917, OMIM 264350.

Allele frequency attached by ClinVar (database versions not stated): 1000 Genomes Project 0.15495; 1000 Genomes Project 30x 0.15506; gnomAD exomes 0.18929; TOPMed 0.20674; gnomAD 0.21182 and 0.21902.

Submissions (4):

GeneDx
Classification: Benign. Last evaluated: 2019-11-22. Review status: criteria provided, single submitter. Criteria: GeneDx Variant Classification Process June 2021. Collection method: clinical testing. Allele origin: germline. Affected: yes.

Illumina Laboratory Services, Illumina
Classification: Benign for Liddle syndrome 2. Last evaluated: 2017-04-27. Review status: criteria provided, single submitter. Criteria: ICSL Variant Classification Criteria 13 December 2019. Collection method: clinical testing. Allele origin: germline.
Comment: This variant was observed as part of a predisposition screen in an ostensibly healthy population. A literature search was performed for the gene, cDNA change, and amino acid change (where applicable). No publications were found based on this search. Allele frequency data from public databases was too high to be consistent with this variant causing disease. Therefore, this variant is classified as benign.

Illumina Laboratory Services, Illumina
Classification: Benign for Pseudohypoaldosteronism, type IB1, autosomal recessive. Last evaluated: 2017-04-27. Review status: criteria provided, single submitter. Criteria: ICSL Variant Classification Criteria 13 December 2019. Collection method: clinical testing. Allele origin: germline.
Comment: the same text as in the submission from Illumina Laboratory Services, Illumina above.

Breakthrough Genomics
Classification: Benign. Review status: criteria provided, single submitter. Criteria: ACMG Guidelines, 2015. Collection method: not provided. Allele origin: germline. Inheritance: Autosomal dominant inheritance. Affected: yes.

NM_001039.4(SCNN1G):c.*268G>A

Gene: SCNN1G (sodium channel epithelial 1 subunit gamma; plus strand). Cytogenetic location: 16p12.2.
Variant type: single nucleotide variant.
Coding change: c.*268G>A on transcript NM_001039.4 (MANE Select); 268 bases downstream of the stop codon, G replaced by A.
Molecular consequence: 3 prime UTR variant.
Genome position (GRCh38, 1-based): chr16:23,215,737, G>A. VCF-style: chr16-23215737-G-A. GRCh37 (hg19) VCF-style: chr16-23227058-G-A.
Identifiers: ClinVar variation 318365 (VCV000318365.9), dbSNP rs5727, ClinGen allele CA10637355.